The following is an entry in ClinVar:

NM_002519.3(NPAT):c.2956C>T (p.Pro986Ser)

Gene: NPAT (nuclear protein, coactivator of histone transcription; minus strand). Cytogenetic location: 11q22.3.
Variant type: single nucleotide variant.
Coding change: c.2956C>T on transcript NM_002519.3 (MANE Select); coding-DNA position 2956, C replaced by T.
Protein change: p.Pro986Ser; replaces proline 986 with serine.
Molecular consequence: missense variant.
Genome position (GRCh38, 1-based): chr11:108,169,798, G>A on the plus strand (C>T on the coding strand, the complement: NPAT is on the minus strand). VCF-style: chr11-108169798-G-A. GRCh37 (hg19) VCF-style: chr11-108040525-G-A.
Other names: c.2956C>T, p.Pro986Ser (NM_001321307.1); short protein forms P986S.
Identifiers: ClinVar variation 2453797 (VCV002453797.2), dbSNP rs2496710732, ClinGen allele CA382511863.

ClinVar aggregate classification (germline): Uncertain significance (1 of 4 stars; one submission).

Submission:

Ambry Genetics
Classification: Uncertain significance. Last evaluated: 2023-02-20. Review status: criteria provided, single submitter. Criteria: Ambry Variant Classification Scheme 2023. Collection method: clinical testing. Allele origin: germline.
Comment: The p.P986S variant (also known as c.2956C>T), located in coding exon 15 of the NPAT gene, results from a C to T substitution at nucleotide position 2956. The proline at codon 986 is replaced by serine, an amino acid with similar properties. This amino acid position is conserved. In addition, this alteration is predicted to be tolerated by in silico analysis. Since supporting evidence is limited at this time, the clinical significance of this alteration remains unclear.